The following is an entry in ClinVar:

ClinVar aggregate classification (germline): Uncertain significance (1 of 4 stars; one submission).

Conditions:
Very long chain acyl-CoA dehydrogenase deficiency (ACADVLD). Also called: VLCAD Deficiency; Very Long-Chain Acyl-Coenzyme A Dehydrogenase Deficiency. Identifiers: Orphanet 26793, MedGen C3887523, MONDO:0008723, OMIM 201475.

Allele frequency attached by ClinVar (database versions not stated): ExAC 0.00002; gnomAD exomes 0.00002.
gnomAD v4.1: 6 of 1,613,922 alleles (0.00037%); highest among the groups gnomAD compares: South Asian, 0.0066%; no homozygotes.

Submission:

Labcorp Genetics (formerly Invitae), Labcorp
Classification: Uncertain significance for Very long chain acyl-CoA dehydrogenase deficiency. Last evaluated: 2022-07-29. Review status: criteria provided, single submitter. Criteria: Invitae Variant Classification Sherloc (09022015). Collection method: clinical testing. Allele origin: germline.
Comment: This sequence change replaces lysine, which is basic and polar, with glutamine, which is neutral and polar, at codon 639 of the ACADVL protein (p.Lys639Gln). This variant is present in population databases (rs771122302, gnomAD 0.02%). This variant has not been reported in the literature in individuals affected with ACADVL-related conditions. ClinVar contains an entry for this variant (Variation ID: 1492241). Algorithms developed to predict the effect of missense changes on protein structure and function output the following: SIFT: "Tolerated"; PolyPhen-2: "Benign"; Align-GVGD: "Class C0". The glutamine amino acid residue is found in multiple mammalian species, which suggests that this missense change does not adversely affect protein function. In summary, the available evidence is currently insufficient to determine the role of this variant in disease. Therefore, it has been classified as a Variant of Uncertain Significance.

NM_000018.4(ACADVL):c.1915A>C (p.Lys639Gln)

Gene: ACADVL (acyl-CoA dehydrogenase very long chain; plus strand). Cytogenetic location: 17p13.1.
Variant type: single nucleotide variant.
Coding change: c.1915A>C on transcript NM_000018.4 (MANE Select); coding-DNA position 1915, A replaced by C.
Protein change: p.Lys639Gln; replaces lysine 639 with glutamine.
Molecular consequence: missense variant.
Genome position (GRCh38, 1-based): chr17:7,225,044, A>C. VCF-style: chr17-7225044-A-C. GRCh37 (hg19) VCF-style: chr17-7128363-A-C.
Other names: c.1849A>C, p.Lys617Gln (NM_001033859.3); c.1984A>C, p.Lys662Gln (NM_001270447.2); c.1687A>C, p.Lys563Gln (NM_001270448.2); short protein forms K617Q, K563Q, K639Q, K662Q.
Identifiers: ClinVar variation 1492241 (VCV001492241.5), dbSNP rs771122302, ClinGen allele CA8338312.
Genomic context (GRCh38, chr17:7,225,044, plus strand): 5'-GCCGCCCTGCAGTCTGACCCCTGGCAGCAAGAGCTCTACCGCAACTTCAAAAGCATCTCC[A>C]AGGCCTTGGTGGAGCGGGGTGGTGTGGTCACCAGCAACCCACTTGGCTTCTGAATACTCC-3'
Protein context (NP_000009.1, residues 629-649): ELYRNFKSIS[Lys639Gln]ALVERGGVVT